The following is an entry in ClinVar:

NC_000005.9:g.(?_36953718)_(37371079_?)del

Genes: CPLANE1 (ciliogenesis and planar polarity effector complex subunit 1; minus strand), NIPBL (NIPBL cohesin loading factor; plus strand), NUP155 (nucleoporin 155; minus strand). Cytogenetic location: 5p13.2.
Variant type: Deletion.
Identifiers: ClinVar variation 2426787 (VCV002426787.4).

ClinVar aggregate classification (germline): Pathogenic (1 of 4 stars; one submission).

Submission:

Labcorp Genetics (formerly Invitae), Labcorp
Classification: Pathogenic. Last evaluated: 2022-04-01. Review status: criteria provided, single submitter. Criteria: Invitae Variant Classification Sherloc (09022015). Collection method: clinical testing. Allele origin: germline.
Comment: A gross deletion of the genomic region encompassing the full coding sequence of the CPLANE1 gene has been identified. Loss-of-function variants in CPLANE1 are known to be pathogenic (PMID: 24178751, 26092869). The boundaries of this event are unknown as they extend beyond the assayed region for this gene and therefore may encompass additional genes. For these reasons, this variant has been classified as Pathogenic. This variant has not been reported in the literature in individuals affected with CPLANE1-related conditions.

Literature cited by the submitters: PubMed 24178751; PubMed 26092869.